The following is an entry in ClinVar:

NM_181882.3(PRX):c.4366G>T (p.Ala1456Ser)

Gene: PRX (periaxin; minus strand). Cytogenetic location: 19q13.2.
Variant type: single nucleotide variant.
Coding change: c.4366G>T on transcript NM_181882.3 (MANE Select); coding-DNA position 4366, G replaced by T.
Protein change: p.Ala1456Ser; replaces alanine 1456 with serine.
Molecular consequence: missense variant. On other transcripts: 3 prime UTR variant (1).
Genome position (GRCh38, 1-based): chr19:40,393,986, C>A on the plus strand (G>T on the coding strand, the complement: PRX is on the minus strand). VCF-style: chr19-40393986-C-A. GRCh37 (hg19) VCF-style: chr19-40899893-C-A.
Other names: p.Ala1456Ser; c.*4571G>T (NM_020956.2); short protein forms A1456S.
Identifiers: ClinVar variation 1693746 (VCV001693746.7), dbSNP rs149093940, ClinGen allele CA405889298.

ClinVar aggregate classification (germline): Uncertain significance. Review status: criteria provided, multiple submitters, no conflicts (2 of 4 stars). 3 submissions from 3 submitters: Uncertain significance (3). Last evaluated 2024-09-06.

Conditions:
Inborn genetic diseases. Identifiers: MedGen C0950123, MeSH D030342.

gnomAD v4.1: 6 of 1,612,924 alleles (0.00037%); highest among the groups gnomAD compares: Non-Finnish European, 0.00051%; no homozygotes.

Submissions (3):

GeneDx
Classification: Uncertain significance. Last evaluated: 2024-09-06. Review status: criteria provided, single submitter. Criteria: GeneDx Variant Classification Process June 2021. Collection method: clinical testing. Allele origin: germline. Affected: yes.
Comment: Not observed at significant frequency in large population cohorts (gnomAD); In silico analysis indicates that this missense variant does not alter protein structure/function; Has not been previously published as pathogenic or benign to our knowledge

Ambry Genetics
Classification: Uncertain significance for Inborn genetic diseases. Last evaluated: 2023-03-01. Review status: criteria provided, single submitter. Criteria: Ambry Variant Classification Scheme 2023. Collection method: clinical testing. Allele origin: germline.

Mayo Clinic Laboratories, Mayo Clinic
Classification: Uncertain significance. Last evaluated: 2021-12-10. Review status: criteria provided, single submitter. Criteria: ACMG Guidelines, 2015. Collection method: clinical testing. Allele origin: germline.